The following is an entry in ClinVar:

ClinVar aggregate classification (germline): Likely benign (1 of 4 stars; one submission).

Allele frequency attached by ClinVar (database versions not stated): ExAC 0.00068; 1000 Genomes Project 30x 0.00094; gnomAD exomes 0.00132; gnomAD 0.00150.
gnomAD v4.1: 2,186 of 1,609,036 alleles (0.14%); highest among the groups gnomAD compares: Non-Finnish European, 0.16%; 2 homozygotes.

Submission:

CeGaT Center for Human Genetics Tuebingen
Classification: Likely benign. Last evaluated: 2023-03-01. Review status: criteria provided, single submitter. Criteria: CeGaT Center For Human Genetics Tuebingen Variant Classification Criteria Version 2. Collection method: clinical testing. Allele origin: germline. Affected: yes. Observed: 1 variant allele.
Comment: LILRB4: BP4, BP7

NM_001278426.4(LILRB4):c.1065C>G (p.Pro355=)

Gene: LILRB4 (leukocyte immunoglobulin like receptor B4; plus strand). Cytogenetic location: 19q13.42.
Variant type: single nucleotide variant.
Coding change: c.1065C>G on transcript NM_001278426.4 (MANE Select); coding-DNA position 1065, C replaced by G.
Protein change: p.Pro355=; no amino-acid change (proline 355 retained).
Molecular consequence: synonymous variant. On other transcripts: intron variant (1).
Genome position (GRCh38, 1-based): chr19:54,667,658, C>G. VCF-style: chr19-54667658-C-G. GRCh37 (hg19) VCF-style: chr19-55179109-C-G.
Other names: c.1062C>G, p.Pro354= (NM_001278427.4, NM_001394934.1); c.1065C>G, p.Pro355= (NM_001278428.4); c.1032C>G, p.Pro344= (NM_001278429.4); c.1068C>G, p.Pro356= (NM_001394933.1); c.1059C>G, p.Pro353= (NM_001394935.1); c.1029C>G, p.Pro343= (NM_001394936.1); c.1026C>G, p.Pro342= (NM_001394937.1); c.918C>G, p.Pro306= (NM_001394938.1); and 1 more.
Identifiers: ClinVar variation 2650456 (VCV002650456.24), dbSNP rs755663839, ClinGen allele CA309802576.